The following is an entry in ClinVar:

NM_001002295.2(GATA3):c.613A>T (p.Met205Leu)

Gene: GATA3 (GATA binding protein 3; plus strand). Cytogenetic location: 10p14.
Variant type: single nucleotide variant.
Coding change: c.613A>T on transcript NM_001002295.2 (MANE Select); coding-DNA position 613, A replaced by T.
Protein change: p.Met205Leu; replaces methionine 205 with leucine.
Molecular consequence: missense variant.
Genome position (GRCh38, 1-based): chr10:8,058,676, A>T. VCF-style: chr10-8058676-A-T. GRCh37 (hg19) VCF-style: chr10-8100639-A-T.
Other names: c.613A>T, p.Met205Leu (NM_002051.3); short protein forms M205L.
Identifiers: ClinVar variation 2504281 (VCV002504281.2), dbSNP rs778992882, ClinGen allele CA5404413.

ClinVar aggregate classification (germline): Uncertain significance. Review status: criteria provided, multiple submitters, no conflicts (2 of 4 stars). 2 submissions from 2 submitters: Uncertain significance (2). Last evaluated 2025-08-24.

Allele frequency attached by ClinVar (database versions not stated): ExAC 0.00001; gnomAD 0.00001; TOPMed 0.00001; gnomAD exomes 0.00002.
gnomAD v4.1: 27 of 1,613,158 alleles (0.0017%); highest among the groups gnomAD compares: Non-Finnish European, 0.0023%; no homozygotes.

Submissions (2):

Labcorp Genetics (formerly Invitae), Labcorp
Classification: Uncertain significance. Last evaluated: 2025-08-24. Review status: criteria provided, single submitter. Criteria: Invitae Variant Classification Sherloc (09022015). Collection method: clinical testing. Allele origin: germline.
Comment: This sequence change replaces methionine, which is neutral and non-polar, with leucine, which is neutral and non-polar, at codon 205 of the GATA3 protein (p.Met205Leu). This variant is present in population databases (rs778992882, gnomAD 0.005%). This variant has not been reported in the literature in individuals affected with GATA3-related conditions. ClinVar contains an entry for this variant (Variation ID: 2504281). Invitae Evidence Modeling of protein sequence and biophysical properties (such as structural, functional, and spatial information, amino acid conservation, physicochemical variation, residue mobility, and thermodynamic stability) indicates that this missense variant is not expected to disrupt GATA3 protein function with a negative predictive value of 80%. In summary, the available evidence is currently insufficient to determine the role of this variant in disease. Therefore, it has been classified as a Variant of Uncertain Significance.

GeneDx
Classification: Uncertain significance. Last evaluated: 2022-12-01. Review status: criteria provided, single submitter. Criteria: GeneDx Variant Classification Process June 2021. Collection method: clinical testing. Allele origin: germline. Affected: yes.
Comment: In silico analysis supports that this missense variant does not alter protein structure/function; Has not been previously published as pathogenic or benign to our knowledge